The following is an entry in ClinVar:

ClinVar aggregate classification (germline): Uncertain significance (1 of 4 stars; one submission).

Submission:

CeGaT Center for Human Genetics Tuebingen
Classification: Uncertain significance. Last evaluated: 2025-08-01. Review status: criteria provided, single submitter. Criteria: CeGaT Center For Human Genetics Tuebingen Variant Classification Criteria Version 2. Collection method: clinical testing. Allele origin: germline. Affected: yes. Observed: 1 variant allele.
Comment: PCDH19: PM2, BP4

NM_001184880.2(PCDH19):c.1892G>A (p.Gly631Glu)

Gene: PCDH19 (protocadherin 19; minus strand). Cytogenetic location: Xq22.1.
Variant type: single nucleotide variant.
Coding change: c.1892G>A on transcript NM_001184880.2 (MANE Select); coding-DNA position 1892, G replaced by A.
Protein change: p.Gly631Glu; replaces glycine 631 with glutamic acid.
Molecular consequence: missense variant.
Genome position (GRCh38, 1-based): chrX:100,406,706, C>T on the plus strand (G>A on the coding strand, the complement: PCDH19 is on the minus strand). VCF-style: chrX-100406706-C-T. GRCh37 (hg19) VCF-style: chrX-99661704-C-T.
Other names: c.1892G>A, p.Gly631Glu (NM_001105243.2, NM_020766.3); short protein forms G631E.
Identifiers: ClinVar variation 4085914 (VCV004085914.8).
Genomic context (GRCh38, chrX:100,406,706, plus strand): 5'-GATGTCTTGCCGTGGTCGTGAGCCACCACGATAAGCTCATAGGAGGACTTGGAGCTCTCC[C>T]CGAAGGTGCGGGTGGTTCTGACTTCGCCATTGACCTGGTCTATTTCAAAGAAGCCGCGGT-3'
Protein context (NP_001171809.1, residues 621-641): NGEVRTTRTF[Gly631Glu]ESSKSSYELI